The following is an entry in ClinVar:

NM_001283009.2(RTEL1):c.2783_2784del (p.Phe928fs)

Genes: RTEL1-TNFRSF6B (RTEL1-TNFRSF6B readthrough (NMD candidate); plus strand), RTEL1 (regulator of telomere elongation helicase 1; plus strand). Cytogenetic location: 20q13.33.
Variant type: Deletion.
Coding change: c.2783_2784del on transcript NM_001283009.2 (MANE Select); coding-DNA positions 2783 to 2784, 2 bases deleted (TC; older notation c.2783_2784delTC).
Protein change: p.Phe928fs; shifts the reading frame from phenylalanine 928.
Molecular consequence: frameshift variant. On other transcripts: non-coding transcript variant (1).
Genome position (GRCh38, 1-based): chr20:63,692,935-63,692,936, TC deleted. VCF-style (leftmost placement, unchanged base first): chr20-63692934-TTC-T. GRCh37 (hg19) VCF-style: chr20-62324287-TTC-T.
Other names: c.2114_2115del, p.Phe705fs (NM_001283010.1); c.2783_2784del, p.Phe928fs (NM_016434.4); c.2855_2856del, p.Phe952fs (NM_032957.5); c.2855_2856delTC (NM_032957.4); short protein forms F705fs, F952fs, F928fs.
Identifiers: ClinVar variation 2934674 (VCV002934674.4), dbSNP rs1568717529, ClinGen allele CA636615251.

ClinVar aggregate classification (germline): Pathogenic. Review status: criteria provided, single submitter (1 of 4 stars). 2 submissions from 2 submitters: Pathogenic (1). 1 of the submissions does not count toward it. Last evaluated 2023-10-22.

Conditions:
RTEL1-related disorder. Also called: RTEL1-related disorders; RTEL1-related condition.
Pulmonary fibrosis and/or bone marrow failure, Telomere-related, 3. Also called: PULMONARY FIBROSIS AND/OR BONE MARROW FAILURE SYNDROME, TELOMERE-RELATED, 3. Identifiers: Orphanet 2032, MedGen C4225346, MONDO:0014613, OMIM 616373.
Dyskeratosis congenita, autosomal recessive 5 (DKCB5). Identifiers: MedGen C3554656, MONDO:0014076, OMIM 615190.

Allele frequency attached by ClinVar (database versions not stated): gnomAD exomes below 0.00001.

Submissions (2):

Labcorp Genetics (formerly Invitae), Labcorp
Classification: Pathogenic for Dyskeratosis congenita, autosomal recessive 5; Pulmonary fibrosis and/or bone marrow failure, Telomere-related, 3. Last evaluated: 2023-10-22. Review status: criteria provided, single submitter. Criteria: Invitae Variant Classification Sherloc (09022015). Collection method: clinical testing. Allele origin: germline.
Comment: This sequence change creates a premature translational stop signal (p.Phe928Cysfs*13) in the RTEL1 gene. It is expected to result in an absent or disrupted protein product. Loss-of-function variants in RTEL1 are known to be pathogenic (PMID: 23453664, 23959892, 25607374). This variant is present in population databases (no rsID available, gnomAD 0.003%). This variant has not been reported in the literature in individuals affected with RTEL1-related conditions. Algorithms developed to predict the effect of sequence changes on RNA splicing suggest that this variant may disrupt the consensus splice site. For these reasons, this variant has been classified as Pathogenic.

PreventionGenetics, part of Exact Sciences
Classification: Likely pathogenic for RTEL1-related condition. Last evaluated: 2024-03-05. Review status: no assertion criteria provided. Collection method: clinical testing. Allele origin: germline. Not counted in ClinVar's aggregate classification.
Comment: The RTEL1 c.2855_2856delTC variant is predicted to result in a frameshift and premature protein termination (p.Phe952Cysfs*13). To our knowledge, this variant has not been reported in the literature. This variant is reported in 0.0033% of alleles in individuals of South Asian descent in gnomAD. Frameshift variants in RTEL1 are expected to be pathogenic. This variant is interpreted as likely pathogenic.

Literature cited by the submitters: PubMed 23453664 (cited by Labcorp Genetics (formerly Invitae), Labcorp); PubMed 23959892 (cited by Labcorp Genetics (formerly Invitae), Labcorp); PubMed 25607374 (cited by Labcorp Genetics (formerly Invitae), Labcorp).